The following is an entry in ClinVar:

NM_000059.4(BRCA2):c.2344C>A (p.Leu782Ile)

Gene: BRCA2 (BRCA2 DNA repair associated; plus strand). Cytogenetic location: 13q13.1.
Variant type: single nucleotide variant.
Coding change: c.2344C>A on transcript NM_000059.4 (MANE Select); coding-DNA position 2344, C replaced by A.
Protein change: p.Leu782Ile; replaces leucine 782 with isoleucine.
Molecular consequence: missense variant. On other transcripts: non-coding transcript variant (1), intron variant (2).
Genome position (GRCh38, 1-based): chr13:32,336,699, C>A. VCF-style: chr13-32336699-C-A. GRCh37 (hg19) VCF-style: chr13-32910836-C-A.
Other names: c.2344C>A, p.Leu782Ile (NM_001406719.1, NM_001406720.1); c.1909+3312C>A (NM_001406721.1); c.424+5669C>A (NM_001406722.1); short protein forms L782I.
Identifiers: ClinVar variation 2833587 (VCV002833587.3), dbSNP rs749810048, ClinGen allele CA387771609.

ClinVar aggregate classification (germline): Uncertain significance (1 of 4 stars; one submission).

Conditions:
Hereditary breast ovarian cancer syndrome. Also called: Hereditary breast and ovarian cancer; BRCA1- and BRCA2-Associated Hereditary Breast and Ovarian Cancer; Hereditary breast and ovarian cancer syndrome; Hereditary breast and ovarian cancer syndrome (HBOC); Breast and ovarian cancer; Hereditary breast and/or ovarian cancer syndrome. Identifiers: Orphanet 145, MedGen C0677776, MeSH D061325, MONDO:0003582. Disease mechanism: loss of function.

Submission:

Labcorp Genetics (formerly Invitae), Labcorp
Classification: Uncertain significance for Hereditary breast ovarian cancer syndrome. Last evaluated: 2023-05-26. Review status: criteria provided, single submitter. Criteria: Invitae Variant Classification Sherloc (09022015). Collection method: clinical testing. Allele origin: germline.
Comment: In summary, the available evidence is currently insufficient to determine the role of this variant in disease. Therefore, it has been classified as a Variant of Uncertain Significance. Advanced modeling of protein sequence and biophysical properties (such as structural, functional, and spatial information, amino acid conservation, physicochemical variation, residue mobility, and thermodynamic stability) performed at Invitae indicates that this missense variant is not expected to disrupt BRCA2 protein function. This variant has not been reported in the literature in individuals affected with BRCA2-related conditions. This variant is not present in population databases (gnomAD no frequency). This sequence change replaces leucine, which is neutral and non-polar, with isoleucine, which is neutral and non-polar, at codon 782 of the BRCA2 protein (p.Leu782Ile).